The following is an entry in ClinVar:

NM_016333.4(SRRM2):c.4082dup (p.Asn1361fs)

Gene: SRRM2 (serine/arginine repetitive matrix 2; plus strand). Cytogenetic location: 16p13.3.
Variant type: Duplication.
Coding change: c.4082dup on transcript NM_016333.4 (MANE Select); coding-DNA position 4082, one base duplicated (A; older notation c.4082dupA).
Protein change: p.Asn1361fs; shifts the reading frame from asparagine 1361.
Molecular consequence: frameshift variant.
Genome position (GRCh38, 1-based): chr16:2,764,610, A duplicated; the last of 2 consecutive A bases (chr16:2,764,609-2,764,610); duplicating either gives the same sequence. VCF-style (leftmost placement, unchanged base first): chr16-2764608-T-TA. GRCh37 (hg19) VCF-style: chr16-2814609-T-TA.
Other names: short protein forms N1361fs.
Identifiers: ClinVar variation 4076221 (VCV004076221.1).

ClinVar aggregate classification (germline): Likely pathogenic (1 of 4 stars; one submission).

Conditions:
Intellectual developmental disorder, autosomal dominant 72 (MRD72). Identifiers: Orphanet 652487, MedGen C5830612, MONDO:0957397, OMIM 620439.

Submission:

Laboratorio de Genetica e Diagnostico Molecular, Hospital Israelita Albert Einstein
Classification: Likely pathogenic for Intellectual developmental disorder, autosomal dominant 72. Last evaluated: 2025-05-08. Review status: criteria provided, single submitter. Criteria: ACMG Guidelines, 2015. Collection method: clinical testing. Allele origin: germline. Affected: yes.
Comment: ACMG classification criteria: PVS1 very strong, PM2 supporting